The following is an entry in ClinVar:

ClinVar aggregate classification (germline): Likely pathogenic (1 of 4 stars; one submission).

Conditions:
RYR1-related disorder. Also called: RYR1-related condition; RYR1-related disorders. Identifiers: MedGen CN239331.

Submission:

Labcorp Genetics (formerly Invitae), Labcorp
Classification: Likely pathogenic for RYR1-related disorder. Last evaluated: 2023-07-20. Review status: criteria provided, single submitter. Criteria: Invitae Variant Classification Sherloc (09022015). Collection method: clinical testing. Allele origin: germline.
Comment: This sequence change replaces arginine, which is basic and polar, with serine, which is neutral and polar, at codon 2454 of the RYR1 protein (p.Arg2454Ser). This variant is not present in population databases (gnomAD no frequency). This variant has not been reported in the literature in individuals affected with RYR1-related conditions. Advanced modeling of protein sequence and biophysical properties (such as structural, functional, and spatial information, amino acid conservation, physicochemical variation, residue mobility, and thermodynamic stability) performed at Invitae indicates that this missense variant is expected to disrupt RYR1 protein function. This variant disrupts the p.Arg2454 amino acid residue in RYR1. Other variant(s) that disrupt this residue have been determined to be pathogenic (PMID: 10051009, 12059893, 19191333, 19648156). This suggests that this residue is clinically significant, and that variants that disrupt this residue are likely to be disease-causing. In summary, the currently available evidence indicates that the variant is pathogenic, but additional data are needed to prove that conclusively. Therefore, this variant has been classified as Likely Pathogenic.

Literature cited by the submitters: PubMed 10051009; PubMed 12059893; PubMed 19191333; PubMed 19648156.

NM_000540.3(RYR1):c.7360C>A (p.Arg2454Ser)

Gene: RYR1 (ryanodine receptor 1; plus strand). Cytogenetic location: 19q13.2.
Variant type: single nucleotide variant.
Coding change: c.7360C>A on transcript NM_000540.3 (MANE Select); coding-DNA position 7360, C replaced by A.
Protein change: p.Arg2454Ser; replaces arginine 2454 with serine.
Molecular consequence: missense variant.
Genome position (GRCh38, 1-based): chr19:38,500,642, C>A. VCF-style: chr19-38500642-C-A. GRCh37 (hg19) VCF-style: chr19-38991282-C-A.
Other names: c.7360C>A, p.Arg2454Ser (NM_001042723.2); short protein forms R2454S.
Identifiers: ClinVar variation 2745548 (VCV002745548.3), dbSNP rs193922816, ClinGen allele CA405669978.